The following is an entry in ClinVar:

ClinVar aggregate classification (germline): Uncertain significance. Review status: criteria provided, multiple submitters, no conflicts (2 of 4 stars). 2 submissions from 2 submitters: Uncertain significance (2). Last evaluated 2022-09-13.

Conditions:
RYR1-related disorder. Also called: RYR1-related condition; RYR1-related disorders. Identifiers: MedGen CN239331.

Allele frequency attached by ClinVar (database versions not stated): TOPMed 0.00001.
gnomAD v4.1: 2 of 1,614,208 alleles (0.00012%); highest among the groups gnomAD compares: African/African-American, 0.0027%; no homozygotes.

Submissions (2):

Labcorp Genetics (formerly Invitae), Labcorp
Classification: Uncertain significance for RYR1-related disorder. Last evaluated: 2022-09-13. Review status: criteria provided, single submitter. Criteria: Invitae Variant Classification Sherloc (09022015). Collection method: clinical testing. Allele origin: germline.
Comment: This sequence change replaces methionine, which is neutral and non-polar, with isoleucine, which is neutral and non-polar, at codon 4063 of the RYR1 protein (p.Met4063Ile). This variant is not present in population databases (gnomAD no frequency). This variant has not been reported in the literature in individuals affected with RYR1-related conditions. Advanced modeling of protein sequence and biophysical properties (such as structural, functional, and spatial information, amino acid conservation, physicochemical variation, residue mobility, and thermodynamic stability) performed at Invitae indicates that this missense variant is not expected to disrupt RYR1 protein function. In summary, the available evidence is currently insufficient to determine the role of this variant in disease. Therefore, it has been classified as a Variant of Uncertain Significance.

Revvity Omics, Revvity
Classification: Uncertain significance. Last evaluated: 2021-02-12. Review status: criteria provided, single submitter. Criteria: ACMG Guidelines, 2015. Collection method: clinical testing. Allele origin: germline.

NM_000540.3(RYR1):c.12189G>A (p.Met4063Ile)

Gene: RYR1 (ryanodine receptor 1; plus strand). Cytogenetic location: 19q13.2.
Variant type: single nucleotide variant.
Coding change: c.12189G>A on transcript NM_000540.3 (MANE Select); coding-DNA position 12189, G replaced by A.
Protein change: p.Met4063Ile; replaces methionine 4063 with isoleucine.
Molecular consequence: missense variant.
Genome position (GRCh38, 1-based): chr19:38,548,327, G>A. VCF-style: chr19-38548327-G-A. GRCh37 (hg19) VCF-style: chr19-39038967-G-A.
Other names: c.12174G>A, p.Met4058Ile (NM_001042723.2); short protein forms M4058I, M4063I.
Identifiers: ClinVar variation 2171758 (VCV002171758.7), dbSNP rs940252727, ClinGen allele CA308095946.